The following is an entry in ClinVar:

ClinVar aggregate classification (germline): Benign. Review status: criteria provided, multiple submitters, no conflicts (2 of 4 stars). 2 submissions from 2 submitters: Benign (2). Last evaluated 2018-06-16.

Allele frequency attached by ClinVar (database versions not stated): gnomAD 0.01988 and 0.02102; 1000 Genomes Project 30x 0.02289; TOPMed 0.02299; 1000 Genomes Project 0.02384.
gnomAD v4.1: 4,244 of 610,264 alleles (0.7%); highest among the groups gnomAD compares: African/African-American, 6.5%; 89 homozygotes.

Submissions (2):

GeneDx
Classification: Benign. Last evaluated: 2018-06-16. Review status: criteria provided, single submitter. Criteria: GeneDx Variant Classification (06012015). Collection method: clinical testing. Allele origin: germline. Affected: yes.
Comment: This variant is considered likely benign or benign based on one or more of the following criteria: it is a conservative change, it occurs at a poorly conserved position in the protein, it is predicted to be benign by multiple in silico algorithms, and/or has population frequency not consistent with disease.

Breakthrough Genomics
Classification: Benign. Review status: criteria provided, single submitter. Criteria: ACMG Guidelines, 2015. Collection method: not provided. Allele origin: germline. Inheritance: X-linked inheritance. Affected: yes.

NM_004006.3(DMD):c.11046+119A>G

Gene: DMD (dystrophin; minus strand). Cytogenetic location: Xp21.2.
Variant type: single nucleotide variant.
Coding change: c.11046+119A>G on transcript NM_004006.3 (MANE Select); 119 bases into the intron after coding-DNA position 11046, A replaced by G.
Molecular consequence: intron variant.
Genome position (GRCh38, 1-based): chrX:31,126,523, T>C on the plus strand (A>G on the coding strand, the complement: DMD is on the minus strand). VCF-style: chrX-31126523-T-C. GRCh37 (hg19) VCF-style: chrX-31144640-T-C.
Other names: c.11022+119A>G (NM_000109.4); c.7023+119A>G (NM_004011.4); c.7014+119A>G (NM_004012.4); c.3305-4593A>G (NM_004023.3); c.3336+119A>G (NM_004020.4); c.3596-4593A>G (NM_004022.3); c.3635-4593A>G (NM_004021.3); c.3666+119A>G (NM_004013.3); and 7 more.
Identifiers: ClinVar variation 672565 (VCV000672565.2), dbSNP rs72466532, ClinGen allele CA328401168.